The following is an entry in ClinVar:

ClinVar aggregate classification (germline): Uncertain significance (1 of 4 stars; one submission).

Conditions:
Malan overgrowth syndrome (MALNS). Also called: NFIX-Related Malan Syndrome; MALAN SYNDROME; Sotos syndrome 2. Identifiers: Orphanet 420179, MedGen C3553660, MONDO:0013885, OMIM 614753.
Marshall-Smith syndrome (MRSHSS). Identifiers: Orphanet 561, MedGen C0265211, MONDO:0011244, OMIM 602535.

Submission:

Labcorp Genetics (formerly Invitae), Labcorp
Classification: Uncertain significance for Malan overgrowth syndrome; Marshall-Smith syndrome. Last evaluated: 2023-04-09. Review status: criteria provided, single submitter. Criteria: Invitae Variant Classification Sherloc (09022015). Collection method: clinical testing. Allele origin: germline.
Comment: This variant has not been reported in the literature in individuals affected with NFIX-related conditions. This variant is not present in population databases (gnomAD no frequency). This sequence change replaces arginine, which is basic and polar, with leucine, which is neutral and non-polar, at codon 272 of the NFIX protein (p.Arg272Leu). Experimental studies and prediction algorithms are not available or were not evaluated, and the functional significance of this variant is currently unknown. In summary, the available evidence is currently insufficient to determine the role of this variant in disease. Therefore, it has been classified as a Variant of Uncertain Significance.

NM_001365902.3(NFIX):c.791G>T (p.Arg264Leu)

Gene: NFIX (nuclear factor I X; plus strand). Cytogenetic location: 19p13.13.
Variant type: single nucleotide variant.
Coding change: c.791G>T on transcript NM_001365902.3 (MANE Select); coding-DNA position 791, G replaced by T.
Protein change: p.Arg264Leu; replaces arginine 264 with leucine.
Molecular consequence: missense variant.
Genome position (GRCh38, 1-based): chr19:13,073,999, G>T. VCF-style: chr19-13073999-G-T. GRCh37 (hg19) VCF-style: chr19-13184813-G-T.
Other names: c.815G>T, p.Arg272Leu (NM_001271043.2); c.767G>T, p.Arg256Leu (NM_001271044.3, NM_001378404.1); c.791G>T, p.Arg264Leu (NM_001365982.2, NM_002501.4); c.650G>T, p.Arg217Leu (NM_001365983.2); c.788G>T, p.Arg263Leu (NM_001365984.2, NM_001365985.2); c.839G>T, p.Arg280Leu (NM_001378405.1); short protein forms R217L, R256L, R264L, R263L, R272L, R280L.
Identifiers: ClinVar variation 2946402 (VCV002946402.3), dbSNP rs1256133151, ClinGen allele CA404295922.
Genomic context (GRCh38, chr19:13,073,999, plus strand): 5'-CCCTGGCGGACCTGGAGAGTCCCAGCTACTACAACATCAACCAGGTGACCCTGGGGCGGC[G>T]GTCCATCACCTCCCCTCCTTCCACCAGGTAAGCCCAGTGGCCCTGCCTTTCCATCTTCTC-3'
Protein context (NP_001352831.1, residues 254-274): YNINQVTLGR[Arg264Leu]SITSPPSTST